The following is an entry in ClinVar:

NM_000719.7(CACNA1C):c.3874G>T (p.Val1292Leu)

Gene: CACNA1C (calcium voltage-gated channel subunit alpha1 C; plus strand). Cytogenetic location: 12p13.33.
Variant type: single nucleotide variant.
Coding change: c.3874G>T on transcript NM_000719.7 (MANE Select); coding-DNA position 3874, G replaced by T.
Protein change: p.Val1292Leu; replaces valine 1292 with leucine.
Molecular consequence: missense variant. On other transcripts: intron variant (6).
Genome position (GRCh38, 1-based): chr12:2,634,342, G>T. VCF-style: chr12-2634342-G-T. GRCh37 (hg19) VCF-style: chr12-2743508-G-T.
Other names: p.V1292L:GTG>TTG; c.4018G>T, p.Val1340Leu (NM_001129827.2, NM_199460.4); c.3874G>T, p.Val1292Leu (NM_001129829.2, NM_001129830.3, NM_001129834.2 and 8 more transcripts); c.3958G>T, p.Val1320Leu (NM_001129831.2, NM_001129836.2); c.3934G>T, p.Val1312Leu (NM_001129832.2); c.3912+630G>T (NM_001167624.3, NM_001167623.2, NM_001129833.2 and 2 more transcripts); c.3903+630G>T (NM_001129844.2); short protein forms V1292L, V1340L, V1312L, V1320L.
Identifiers: ClinVar variation 190665 (VCV000190665.8), dbSNP rs777138966, ClinGen allele CA301475.

ClinVar aggregate classification (germline): Uncertain significance. Review status: criteria provided, multiple submitters, no conflicts (2 of 4 stars). 2 submissions from 2 submitters: Uncertain significance (2). Last evaluated 2025-04-17.

Conditions:
Long QT syndrome (LQTS). Identifiers: MedGen C0023976, MeSH D008133, MONDO:0002442. Disease mechanism: loss of function. Inheritance: Various modes of inheritance.

Allele frequency attached by ClinVar (database versions not stated): gnomAD exomes below 0.00001; TOPMed below 0.00001; gnomAD 0.00001; ExAC below 0.00001.
gnomAD v4.1: 3 of 1,585,388 alleles (0.00019%); highest among the groups gnomAD compares: Non-Finnish European, 0.00026%; no homozygotes.

Submissions (2):

Labcorp Genetics (formerly Invitae), Labcorp
Classification: Uncertain significance for Long QT syndrome. Last evaluated: 2025-04-17. Review status: criteria provided, single submitter. Criteria: Invitae Variant Classification Sherloc (09022015). Collection method: clinical testing. Allele origin: germline.
Comment: This sequence change replaces valine, which is neutral and non-polar, with leucine, which is neutral and non-polar, at codon 1292 of the CACNA1C protein (p.Val1292Leu). This variant is not present in population databases (gnomAD no frequency). This variant has not been reported in the literature in individuals affected with CACNA1C-related conditions. ClinVar contains an entry for this variant (Variation ID: 190665). Invitae Evidence Modeling of protein sequence and biophysical properties (such as structural, functional, and spatial information, amino acid conservation, physicochemical variation, residue mobility, and thermodynamic stability) indicates that this missense variant is not expected to disrupt CACNA1C protein function with a negative predictive value of 95%. In summary, the available evidence is currently insufficient to determine the role of this variant in disease. Therefore, it has been classified as a Variant of Uncertain Significance.

GeneDx
Classification: Uncertain significance. Last evaluated: 2020-03-25. Review status: criteria provided, single submitter. Criteria: GeneDx Variant Classification Process June 2021. Collection method: clinical testing. Allele origin: germline. Affected: yes.
Comment: In silico analysis supports that this missense variant does not alter protein structure/function; Has not been previously published as pathogenic or benign to our knowledge